The following is an entry in ClinVar:

NM_033026.6(PCLO):c.4629G>T (p.Gln1543His)

Gene: PCLO (piccolo presynaptic cytomatrix protein; minus strand). Cytogenetic location: 7q21.11.
Variant type: single nucleotide variant.
Coding change: c.4629G>T on transcript NM_033026.6 (MANE Select); coding-DNA position 4629, G replaced by T.
Protein change: p.Gln1543His; replaces glutamine 1543 with histidine.
Molecular consequence: missense variant.
Genome position (GRCh38, 1-based): chr7:82,956,324, C>A on the plus strand (G>T on the coding strand, the complement: PCLO is on the minus strand). VCF-style: chr7-82956324-C-A. GRCh37 (hg19) VCF-style: chr7-82585640-C-A.
Other names: c.4629G>T, p.Gln1543His (NM_014510.3); short protein forms Q1543H.
Identifiers: ClinVar variation 2879843 (VCV002879843.3), dbSNP rs374315381, ClinGen allele CA4320790.
Genomic context (GRCh38, chr7:82,956,324, plus strand): 5'-CATTTCTATGATTTGTTTTCGAATGAAGTCCTCCTCTTCCCCTGATCCTTGGCTGTCTTC[C>A]TGTTTATACTCATCACTGCTTGATGAGCCAACACTAGTTCTTCGTTTTCTTTGTGGAACA-3'
Protein context (NP_149015.2, residues 1533-1553): VGSSSSDEYK[Gln1543His]EDSQGSGEEE

ClinVar aggregate classification (germline): Uncertain significance (1 of 4 stars; one submission).

Allele frequency attached by ClinVar (database versions not stated): TOPMed below 0.00001.
gnomAD v4.1: 2 of 1,613,084 alleles (0.00012%); highest among the groups gnomAD compares: Admixed American, 0.0033%; no homozygotes.

Submission:

Labcorp Genetics (formerly Invitae), Labcorp
Classification: Uncertain significance. Last evaluated: 2023-08-27. Review status: criteria provided, single submitter. Criteria: Invitae Variant Classification Sherloc (09022015). Collection method: clinical testing. Allele origin: germline.
Comment: In summary, the available evidence is currently insufficient to determine the role of this variant in disease. Therefore, it has been classified as a Variant of Uncertain Significance. Algorithms developed to predict the effect of missense changes on protein structure and function output the following: SIFT: "Not Available"; PolyPhen-2: "Not Available"; Align-GVGD: "Not Available". The histidine amino acid residue is found in multiple mammalian species, which suggests that this missense change does not adversely affect protein function. This variant has not been reported in the literature in individuals affected with PCLO-related conditions. This variant is present in population databases (rs374315381, gnomAD 0.006%). This sequence change replaces glutamine, which is neutral and polar, with histidine, which is basic and polar, at codon 1543 of the PCLO protein (p.Gln1543His).